The following is an entry in ClinVar:

NM_000388.4(CASR):c.2776C>T (p.Gln926Ter)

Gene: CASR (calcium sensing receptor; plus strand). Cytogenetic location: 3q21.1.
Variant type: single nucleotide variant.
Coding change: c.2776C>T on transcript NM_000388.4 (MANE Select); coding-DNA position 2776, C replaced by T.
Protein change: p.Gln926Ter; replaces glutamine 926 with a stop codon.
Molecular consequence: nonsense.
Genome position (GRCh38, 1-based): chr3:122,284,730, C>T. VCF-style: chr3-122284730-C-T. GRCh37 (hg19) VCF-style: chr3-122003577-C-T.
Other names: c.2806C>T, p.Gln936Ter (NM_001178065.2); short protein forms Q926*, Q936*.
Identifiers: ClinVar variation 1494539 (VCV001494539.10), dbSNP rs2107651172, ClinGen allele CA354160742.

ClinVar aggregate classification (germline): Conflicting classifications of pathogenicity. Review status: criteria provided, conflicting classifications (1 of 4 stars). 2 submissions from 2 submitters: Likely pathogenic (1); Uncertain significance (1). Last evaluated 2025-03-04.

Conditions:
Autosomal dominant hypocalcemia 1 (HYPOC1). Also called: HYPOCALCEMIA, FAMILIAL. Identifiers: MedGen C3715128, MONDO:0011013, OMIM 601198.
Familial hypocalciuric hypercalcemia (FHH). Also called: Familial benign hypercalcemia. Identifiers: Orphanet 405, MedGen C1809471, MONDO:0018458.

Submissions (2):

Center for Genomic Medicine, Rigshospitalet, Copenhagen University Hospital
Classification: Likely pathogenic. Last evaluated: 2025-03-04. Review status: criteria provided, single submitter. Criteria: ACMG Guidelines, 2015. Collection method: clinical testing. Allele origin: germline.

Labcorp Genetics (formerly Invitae), Labcorp
Classification: Uncertain significance for Familial hypocalciuric hypercalcemia; Autosomal dominant hypocalcemia 1. Last evaluated: 2023-07-19. Review status: criteria provided, single submitter. Criteria: Invitae Variant Classification Sherloc (09022015). Collection method: clinical testing. Allele origin: germline.
Comment: In summary, the available evidence is currently insufficient to determine the role of this variant in disease. Therefore, it has been classified as a Variant of Uncertain Significance. ClinVar contains an entry for this variant (Variation ID: 1494539). This premature translational stop signal has been observed in individual(s) with hypercalcemia (PMID: 31433865). This variant is not present in population databases (gnomAD no frequency). This sequence change creates a premature translational stop signal (p.Gln926*) in the CASR gene. While this is not anticipated to result in nonsense mediated decay, it is expected to disrupt the last 153 amino acid(s) of the CASR protein.

Literature cited by the submitters: PubMed 31433865 (cited by Center for Genomic Medicine, Rigshospitalet, Copenhagen University Hospital and Labcorp Genetics (formerly Invitae), Labcorp).